The following is an entry in ClinVar:

ClinVar aggregate classification (germline): Likely pathogenic (1 of 4 stars; one submission).

Conditions:
Autosomal recessive nonsyndromic hearing loss 4 (DFNB4). Also called: Deafness, autosomal recessive 4; FOXI1-Related Pendred Syndrome; KCNJ10-Related Pendred Syndrome; DEAFNESS, AUTOSOMAL RECESSIVE 4, WITH ENLARGED VESTIBULAR AQUEDUCT, DIGENIC; NEUROSENSORY NONSYNDROMIC RECESSIVE DEAFNESS 4; Nonsyndromic enlarged vestibular aqueduct (NSEVA). Identifiers: Orphanet 90636, MedGen C3538946, MONDO:0010933, OMIM 600791.

Submission:

Institute of Rare Diseases, West China Hospital, Sichuan University
Classification: Likely pathogenic for Autosomal recessive nonsyndromic hearing loss 4. Last evaluated: 2025-01-09. Review status: criteria provided, single submitter. Criteria: ClinGen HL ACMG Specifications v1. Collection method: research. Allele origin: germline. Affected: yes.
Comment: PM3_Strong;PP4;PM2_Supporting;PP3

NM_000441.2(SLC26A4):c.1208C>T (p.Ala403Val)

Gene: SLC26A4 (solute carrier family 26 member 4; plus strand). Cytogenetic location: 7q22.3.
Variant type: single nucleotide variant.
Coding change: c.1208C>T on transcript NM_000441.2 (MANE Select); coding-DNA position 1208, C replaced by T.
Protein change: p.Ala403Val; replaces alanine 403 with valine.
Molecular consequence: missense variant.
Genome position (GRCh38, 1-based): chr7:107,690,182, C>T. VCF-style: chr7-107690182-C-T. GRCh37 (hg19) VCF-style: chr7-107330627-C-T.
Other names: short protein forms A403V.
Identifiers: ClinVar variation 3601731 (VCV003601731.1).